The following is an entry in ClinVar:

NM_001876.4(CPT1A):c.1948G>A (p.Gly650Ser)

Gene: CPT1A (carnitine palmitoyltransferase 1A; minus strand). Cytogenetic location: 11q13.3.
Variant type: single nucleotide variant.
Coding change: c.1948G>A on transcript NM_001876.4 (MANE Select); coding-DNA position 1948, G replaced by A.
Protein change: p.Gly650Ser; replaces glycine 650 with serine.
Molecular consequence: missense variant.
Genome position (GRCh38, 1-based): chr11:68,761,615, C>T on the plus strand (G>A on the coding strand, the complement: CPT1A is on the minus strand). VCF-style: chr11-68761615-C-T. GRCh37 (hg19) VCF-style: chr11-68529083-C-T.
Other names: c.1948G>A, p.Gly650Ser (NM_001031847.3); short protein forms G650S.
Identifiers: ClinVar variation 1419369 (VCV001419369.5), dbSNP rs760769734, ClinGen allele CA6152143.

ClinVar aggregate classification (germline): Uncertain significance (1 of 4 stars; one submission).

Conditions:
Carnitine palmitoyl transferase 1A deficiency. Also called: Carnitine palmitoyltransferase 1A deficiency; CPT deficiency, hepatic, type IA; Carnitine palmitoyltransferase type I deficiency; CPT I DEFICIENCY; CPT DEFICIENCY, HEPATIC, TYPE I. Identifiers: Orphanet 156, MedGen C1829703, MONDO:0009705, OMIM 255120.

Allele frequency attached by ClinVar (database versions not stated): ExAC 0.00001; gnomAD 0.00001.
gnomAD v4.1: 6 of 1,613,962 alleles (0.00037%); highest among the groups gnomAD compares: East Asian, 0.0022%; no homozygotes.

Submission:

Labcorp Genetics (formerly Invitae), Labcorp
Classification: Uncertain significance for Carnitine palmitoyl transferase 1A deficiency. Last evaluated: 2021-09-01. Review status: criteria provided, single submitter. Criteria: Invitae Variant Classification Sherloc (09022015). Collection method: clinical testing. Allele origin: germline.
Comment: This sequence change replaces glycine with serine at codon 650 of the CPT1A protein (p.Gly650Ser). The glycine residue is highly conserved and there is a small physicochemical difference between glycine and serine. This variant is present in population databases (rs760769734, ExAC 0.01%). This variant has not been reported in the literature in individuals affected with CPT1A-related conditions. Algorithms developed to predict the effect of missense changes on protein structure and function are either unavailable or do not agree on the potential impact of this missense change (SIFT: "Deleterious"; PolyPhen-2: "Probably Damaging"; Align-GVGD: "Class C0"). Algorithms developed to predict the effect of sequence changes on RNA splicing suggest that this variant may create or strengthen a splice site. In summary, the available evidence is currently insufficient to determine the role of this variant in disease. Therefore, it has been classified as a Variant of Uncertain Significance.